The following is an entry in ClinVar:

NM_000214.3(JAG1):c.2667_2670delinsTAT (p.Ile890fs)

Gene: JAG1 (jagged canonical Notch ligand 1; minus strand). Cytogenetic location: 20p12.2.
Variant type: Indel.
Coding change: c.2667_2670delinsTAT on transcript NM_000214.3 (MANE Select); coding-DNA positions 2667 to 2670, GATC replaced by TAT.
Protein change: p.Ile890fs; shifts the reading frame from isoleucine 890.
Molecular consequence: frameshift variant.
Genome position (GRCh38, 1-based): chr20:10,641,795-10,641,798, GATC replaced by ATA on the plus strand (GATC replaced by TAT on the coding strand, the reverse complement: JAG1 is on the minus strand). VCF-style: chr20-10641795-GATC-ATA. GRCh37 (hg19) VCF-style: chr20-10622443-GATC-ATA.
Other names: short protein forms I890fs.
Identifiers: ClinVar variation 5009580 (VCV005009580.1).

ClinVar aggregate classification (germline): Pathogenic (1 of 4 stars; one submission).

Submission:

GeneDx
Classification: Pathogenic. Last evaluated: 2026-03-20. Review status: criteria provided, single submitter. Criteria: GeneDx Variant Classification Process June 2021. Collection method: clinical testing. Allele origin: germline.
Comment: Frameshift variant predicted to result in protein truncation or nonsense mediated decay in a gene for which loss of function is a known mechanism of disease; Not observed at significant frequency in large population cohorts (gnomAD); Has not been previously published as pathogenic or benign to our knowledge